The following is an entry in ClinVar:

ClinVar aggregate classification (germline): Pathogenic (1 of 4 stars; one submission).

Conditions:
Fanconi anemia (FA). Also called: Fanconi's anemia. Identifiers: Orphanet 84, MedGen C0015625, MeSH D005199, MONDO:0019391.

Submission:

Labcorp Genetics (formerly Invitae), Labcorp
Classification: Pathogenic for Fanconi anemia. Last evaluated: 2024-01-04. Review status: criteria provided, single submitter. Criteria: Invitae Variant Classification Sherloc (09022015). Collection method: clinical testing. Allele origin: germline.
Comment: This sequence change creates a premature translational stop signal (p.Gln159*) in the FANCI gene. It is expected to result in an absent or disrupted protein product. Loss-of-function variants in FANCI are known to be pathogenic (PMID: 17452773, 17460694). This variant is not present in population databases (gnomAD no frequency). This variant has not been reported in the literature in individuals affected with FANCI-related conditions. Algorithms developed to predict the effect of sequence changes on RNA splicing suggest that this variant may disrupt the consensus splice site. For these reasons, this variant has been classified as Pathogenic.

Literature cited by the submitters: PubMed 17452773; PubMed 17460694.

NM_001113378.2(FANCI):c.475C>T (p.Gln159Ter)

Gene: FANCI (FA complementation group I; plus strand). Cytogenetic location: 15q26.1.
Variant type: single nucleotide variant.
Coding change: c.475C>T on transcript NM_001113378.2 (MANE Select); coding-DNA position 475, C replaced by T.
Protein change: p.Gln159Ter; replaces glutamine 159 with a stop codon.
Molecular consequence: nonsense.
Genome position (GRCh38, 1-based): chr15:89,261,850, C>T. VCF-style: chr15-89261850-C-T. GRCh37 (hg19) VCF-style: chr15-89805081-C-T.
Other names: c.196C>T, p.Gln66Ter (NM_001376910.1); c.475C>T, p.Gln159Ter (NM_001376911.1, NM_018193.3); short protein forms Q159*, Q66*.
Identifiers: ClinVar variation 2704860 (VCV002704860.3), dbSNP rs765463274, ClinGen allele CA393738560.
Genomic context (GRCh38, chr15:89,261,850, plus strand): 5'-ATTCATTGCTCAGTATATTTTGCATTTCTAGGTGTACTGAGTGGGGAAGAATGTAAGAAA[C>T]AGTTGATTAACACCCTGTGTTCTGGCAGGTGAGTCTTGTTAATATGTATAACTTTCTTAG-3'